The following is an entry in ClinVar:

ClinVar aggregate classification (germline): Uncertain significance (1 of 4 stars; one submission).

Conditions:
Hereditary pancreatitis (PCTT). Also called: Hereditary chronic pancreatitis; PRSS1-Related Hereditary Pancreatitis. Identifiers: Orphanet 676, MedGen C0238339, MONDO:0008185, OMIM 167800.

gnomAD v4.1: 3 of 1,614,174 alleles (0.00019%); highest among the groups gnomAD compares: Non-Finnish European, 0.00025%; no homozygotes.

Submission:

Ambry Genetics
Classification: Uncertain significance for Hereditary pancreatitis. Last evaluated: 2025-02-18. Review status: criteria provided, single submitter. Criteria: Ambry Variant Classification Scheme 2023. Collection method: clinical testing. Allele origin: germline.
Comment: The p.A173V variant (also known as c.518C>T), located in coding exon 4 of the PRSS1 gene, results from a C to T substitution at nucleotide position 518. The alanine at codon 173 is replaced by valine, an amino acid with similar properties. This amino acid position is conserved. In addition, this alteration is predicted to be tolerated by in silico analysis. Since supporting evidence is limited at this time, the clinical significance of this alteration remains unclear.

NM_002769.5(PRSS1):c.518C>T (p.Ala173Val)

Genes: TRB (T cell receptor beta locus; plus strand), PRSS1 (serine protease 1; plus strand). Cytogenetic location: 7q34.
Variant type: single nucleotide variant.
Coding change: c.518C>T on transcript NM_002769.5 (MANE Select); coding-DNA position 518, C replaced by T.
Protein change: p.Ala173Val; replaces alanine 173 with valine.
Molecular consequence: missense variant. On other transcripts: non-coding transcript variant (5).
Genome position (GRCh38, 1-based): chr7:142,752,494, C>T. VCF-style: chr7-142752494-C-T. GRCh37 (hg19) VCF-style: chr7-142460345-C-T.
Other names: short protein forms A173V.
Identifiers: ClinVar variation 1745902 (VCV001745902.3), dbSNP rs777531305, ClinGen allele CA369609615.